The following is an entry in ClinVar:

ClinVar aggregate classification (germline): Uncertain significance (1 of 4 stars; one submission).

Conditions:
Hereditary cancer-predisposing syndrome. Also called: Neoplastic Syndromes, Hereditary; Hereditary Cancer Syndrome; Tumor predisposition; Hereditary neoplastic syndrome. Identifiers: Orphanet 140162, MedGen C0027672, MeSH D009386, MONDO:0015356.

Submission:

Ambry Genetics
Classification: Uncertain significance for Hereditary cancer-predisposing syndrome. Last evaluated: 2023-01-14. Review status: criteria provided, single submitter. Criteria: Ambry Variant Classification Scheme 2023. Collection method: clinical testing. Allele origin: germline.
Comment: The p.Y59S variant (also known as c.176A>C), located in coding exon 3 of the XRCC2 gene, results from an A to C substitution at nucleotide position 176. The tyrosine at codon 59 is replaced by serine, an amino acid with dissimilar properties. This amino acid position is conserved. In addition, the in silico prediction for this alteration is inconclusive. Since supporting evidence is limited at this time, the clinical significance of this alteration remains unclear.

NM_005431.2(XRCC2):c.176A>C (p.Tyr59Ser)

Gene: XRCC2 (X-ray repair cross complementing 2; minus strand). Cytogenetic location: 7q36.1.
Variant type: single nucleotide variant.
Coding change: c.176A>C on transcript NM_005431.2 (MANE Select); coding-DNA position 176, A replaced by C.
Protein change: p.Tyr59Ser; replaces tyrosine 59 with serine.
Molecular consequence: missense variant.
Genome position (GRCh38, 1-based): chr7:152,649,309, T>G on the plus strand (A>C on the coding strand, the complement: XRCC2 is on the minus strand). VCF-style: chr7-152649309-T-G. GRCh37 (hg19) VCF-style: chr7-152346394-T-G.
Other names: short protein forms Y59S.
Identifiers: ClinVar variation 2447657 (VCV002447657.2), dbSNP rs1590129796, ClinGen allele CA370199259.
Genomic context (GRCh38, chr7:152,649,309, plus strand): 5'-AAGACTTCTACTTCCAGGCCACCTTCTGATTTGGGAAGTATACATCGTGCTGTTAGGTGA[T>G]AAAGCATTTCTGTTTTTCCTGTTCCTTCTGGGCCATGAAATTCAAGAATATCACCTGTGT-3'
Protein context (NP_005422.1, residues 49-69): PEGTGKTEML[Tyr59Ser]HLTARCILPK